The following is an entry in ClinVar:

ClinVar aggregate classification (germline): Benign. Review status: criteria provided, single submitter (1 of 4 stars). 2 submissions from 1 submitter: Benign (2). Last evaluated 2018-01-13.

Conditions:
Dilated cardiomyopathy 1J (CMD1J). Also called: CARDIOMYOPATHY, DILATED, WITH SENSORINEURAL HEARING LOSS, AUTOSOMAL DOMINANT. Identifiers: Orphanet 217622, MedGen C1854368, MONDO:0011541, OMIM 605362.
Autosomal dominant nonsyndromic hearing loss 10. Identifiers: Orphanet 90635, MedGen C1832476, MONDO:0011031, OMIM 601316.

Allele frequency attached by ClinVar (database versions not stated): gnomAD exomes 0.15677; 1000 Genomes Project 0.18051; gnomAD 0.19915 and 0.20466.
gnomAD v4.1: 126,432 of 770,218 alleles (16%); highest among the groups gnomAD compares: African/African-American, 34%; 10,131 homozygotes.

Submissions (2):

Illumina Laboratory Services, Illumina
Classification: Benign for Autosomal dominant nonsyndromic hearing loss 10. Last evaluated: 2018-01-13. Review status: criteria provided, single submitter. Criteria: ICSL Variant Classification Criteria 13 December 2019. Collection method: clinical testing. Allele origin: germline.
Comment: This variant was observed in the ICSL laboratory as part of a predisposition screen in an ostensibly healthy population. It had not been previously curated by ICSL or reported in the Human Gene Mutation Database (HGMD: prior to June 1st, 2018), and was therefore a candidate for classification through an automated scoring system. Utilizing variant allele frequency, disease prevalence and penetrance estimates, and inheritance mode, an automated score was calculated to assess if this variant is too frequent to cause the disease. Based on the score and internal cut-off values, a variant classified as benign is not then subjected to further curation. The score for this variant resulted in a classification of benign for this disease.

Illumina Laboratory Services, Illumina
Classification: Benign for Dilated cardiomyopathy 1J. Last evaluated: 2018-01-13. Review status: criteria provided, single submitter. Criteria: ICSL Variant Classification Criteria 13 December 2019. Collection method: clinical testing. Allele origin: germline.
Comment: the same text as in the submission from Illumina Laboratory Services, Illumina above.

NM_004100.5(EYA4):c.*726C>A

Genes: TARID (TCF21 antisense RNA inducing promoter demethylation; minus strand), EYA4 (EYA transcriptional coactivator and phosphatase 4; plus strand). Cytogenetic location: 6q23.2.
Variant type: single nucleotide variant.
Coding change: c.*726C>A on transcript NM_004100.5 (MANE Select); 726 bases downstream of the stop codon, C replaced by A.
Molecular consequence: 3 prime UTR variant.
Genome position (GRCh38, 1-based): chr6:133,529,531, C>A. VCF-style: chr6-133529531-C-A. GRCh37 (hg19) VCF-style: chr6-133850669-C-A.
Other names: c.*726C>A (NM_001301012.2, NM_001301013.2, NM_001370458.1 and 3 more transcripts).
Identifiers: ClinVar variation 355450 (VCV000355450.5), dbSNP rs55805978, ClinGen allele CA10621469.
Genomic context (GRCh38, chr6:133,529,531, plus strand): 5'-ACAGCATTTGTGTGTTACAATGTAACTTTGGTTAAAATCTCTGTAGATAATGAAAAAAAA[C>A]AAAAAAAAAAACCTTTGTGATGATTCTTAACATGACCAAATTTAAAAGTCAAGCTCTCAG-3'